The following is an entry in ClinVar:

ClinVar aggregate classification (germline): Uncertain significance (1 of 4 stars; one submission).

Conditions:
EP300-related disorder. Also called: EP300-related condition; EP300-related disorders.

Submission:

PreventionGenetics, part of Exact Sciences
Classification: Uncertain significance for EP300-related condition. Last evaluated: 2026-09-13. Review status: criteria provided, single submitter. Criteria: ACMG Guidelines, 2015. Collection method: clinical testing. Allele origin: germline.
Comment: The EP300 c.6671_6676del6 variant is predicted to result in an in-frame deletion (p.Gln2224_Gln2225del). To our knowledge, this variant has not been reported in the literature. This variant is reported in 0.0056% of alleles in individuals of Latino descent in gnomAD. At this time, the clinical significance of this variant is uncertain due to the absence of conclusive functional and genetic evidence.

NM_001429.4(EP300):c.6665AGC[2] (p.Gln2224_Gln2225del)

Gene: EP300 (EP300 lysine acetyltransferase; plus strand). Cytogenetic location: 22q13.2.
Variant type: Microsatellite.
Coding change: c.6665AGC[2] on transcript NM_001429.4 (MANE Select); two copies in a row of the 3-base unit AGC starting at c.6665; the reference has four copies in a row; two copies, 6 bases deleted.
Protein change: p.Gln2224_Gln2225del.
Molecular consequence: inframe deletion.
Genome position (GRCh38, 1-based): chr22:41,178,382-41,178,387, AGCAGC deleted; deleting any 6 consecutive bases within chr22:41,178,375-41,178,387 gives the same sequence; the position shown is the placement nearest the transcript's 3' end. VCF-style (leftmost placement, unchanged base first): chr22-41178374-ACAGCAG-A. GRCh37 (hg19) VCF-style: chr22-41574378-ACAGCAG-A.
Other names: c.6587AGC[2], p.Gln2198_Gln2199del (NM_001362843.2).
Identifiers: ClinVar variation 4990979 (VCV004990979.1).